The following is an entry in ClinVar:

NM_007294.4(BRCA1):c.4554G>C (p.Gln1518His)

Gene: BRCA1 (BRCA1 DNA repair associated; minus strand). Cytogenetic location: 17q21.31.
Variant type: single nucleotide variant.
Coding change: c.4554G>C on transcript NM_007294.4 (MANE Select); coding-DNA position 4554, G replaced by C.
Protein change: p.Gln1518His; replaces glutamine 1518 with histidine.
Molecular consequence: missense variant. On other transcripts: non-coding transcript variant (1).
Genome position (GRCh38, 1-based): chr17:43,074,452, C>G on the plus strand (G>C on the coding strand, the complement: BRCA1 is on the minus strand). VCF-style: chr17-43074452-C-G. GRCh37 (hg19) VCF-style: chr17-41226469-C-G.
Other names: c.4341G>C, p.Gln1447His (NM_001407571.1, NM_001407894.1, NM_001407895.1 and 12 more transcripts); c.4620G>C, p.Gln1540His (NM_001407581.1, NM_001407582.1); c.4617G>C, p.Gln1539His (NM_001407583.1, NM_001407585.1, NM_001407587.1 and 1 more transcripts); c.4614G>C, p.Gln1538His (NM_001407590.1, NM_001407591.1); c.4554G>C, p.Gln1518His (NM_001407593.1, NM_001407594.1, NM_001407596.1 and 8 more transcripts); c.4551G>C, p.Gln1517His (NM_001407610.1, NM_001407611.1, NM_001407612.1 and 17 more transcripts); c.4548G>C, p.Gln1516His (NM_001407627.1, NM_001407628.1, NM_001407629.1 and 14 more transcripts); c.4545G>C, p.Gln1515His (NM_001407644.1, NM_001407645.1); and 68 more; short protein forms Q1518H, Q1539H, Q1471H, Q414H, Q1349H, Q1391H, Q1446H, Q1447H.
Identifiers: ClinVar variation 936650 (VCV000936650.14), dbSNP rs786202635, ClinGen allele CA10592410.

ClinVar aggregate classification (germline): Uncertain significance. Review status: criteria provided, multiple submitters, no conflicts (2 of 4 stars). 2 submissions from 2 submitters: Uncertain significance (2). Last evaluated 2024-11-10.

Conditions:
Hereditary breast ovarian cancer syndrome. Also called: BRCA1- and BRCA2-Associated Hereditary Breast and Ovarian Cancer; Hereditary breast and/or ovarian cancer syndrome; Hereditary breast and ovarian cancer syndrome; Hereditary breast and ovarian cancer; Breast and ovarian cancer; Hereditary breast and ovarian cancer syndrome (HBOC). Identifiers: Orphanet 145, MedGen C0677776, MeSH D061325, MONDO:0003582. Disease mechanism: loss of function.
Hereditary cancer-predisposing syndrome. Also called: Tumor predisposition; Hereditary neoplastic syndrome; Hereditary Cancer Syndrome; Neoplastic Syndromes, Hereditary. Identifiers: Orphanet 140162, MedGen C0027672, MeSH D009386, MONDO:0015356.

Submissions (2):

Ambry Genetics
Classification: Uncertain significance for Hereditary cancer-predisposing syndrome. Last evaluated: 2024-11-10. Review status: criteria provided, single submitter. Criteria: Ambry Variant Classification Scheme 2023. Collection method: clinical testing. Allele origin: germline.
Comment: The p.Q1518H variant (also known as c.4554G>C), located in coding exon 13 of the BRCA1 gene, results from a G to C substitution at nucleotide position 4554. The glutamine at codon 1518 is replaced by histidine, an amino acid with highly similar properties. This amino acid position is not well conserved in available vertebrate species. In addition, the in silico prediction for this alteration is inconclusive. Since supporting evidence is limited at this time, the clinical significance of this alteration remains unclear.

Labcorp Genetics (formerly Invitae), Labcorp
Classification: Uncertain significance for Hereditary breast ovarian cancer syndrome. Last evaluated: 2019-09-09. Review status: criteria provided, single submitter. Criteria: Invitae Variant Classification Sherloc (09022015). Collection method: clinical testing. Allele origin: germline.
Comment: In summary, the available evidence is currently insufficient to determine the role of this variant in disease. Therefore, it has been classified as a Variant of Uncertain Significance. Algorithms developed to predict the effect of missense changes on protein structure and function (SIFT, PolyPhen-2, Align-GVGD) all suggest that this variant is likely to be tolerated, but these predictions have not been confirmed by published functional studies and their clinical significance is uncertain. This variant has not been reported in the literature in individuals with BRCA1-related conditions. This variant is not present in population databases (ExAC no frequency). This sequence change replaces glutamine with histidine at codon 1518 of the BRCA1 protein (p.Gln1518His). The glutamine residue is moderately conserved and there is a small physicochemical difference between glutamine and histidine.